The following is an entry in ClinVar:

ClinVar aggregate classification (germline): Uncertain significance. Review status: criteria provided, multiple submitters, no conflicts (2 of 4 stars). 2 submissions from 2 submitters: Uncertain significance (2). Last evaluated 2022-09-26.

Conditions:
Pancreatic adenocarcinoma. Identifiers: MedGen C0281361, MONDO:0006047, HP:0006725.

Allele frequency attached by ClinVar (database versions not stated): ExAC 0.00001; gnomAD 0.00001; gnomAD exomes 0.00001 and 0.00004; TOPMed 0.00002.
gnomAD v4.1: 60 of 1,613,696 alleles (0.0037%); highest among the groups gnomAD compares: Non-Finnish European, 0.0047%; no homozygotes.

Submissions (2):

Ambry Genetics
Classification: Uncertain significance. Last evaluated: 2022-09-26. Review status: criteria provided, single submitter. Criteria: Ambry Variant Classification Scheme 2023. Collection method: clinical testing. Allele origin: germline.
Comment: The p.F721L variant (also known as c.2163T>G), located in coding exon 11 of the PALLD gene, results from a T to G substitution at nucleotide position 2163. The phenylalanine at codon 721 is replaced by leucine, an amino acid with highly similar properties. This amino acid position is conserved. In addition, this alteration is predicted to be tolerated by in silico analysis. Since supporting evidence is limited at this time, the clinical significance of this alteration remains unclear.

Labcorp Genetics (formerly Invitae), Labcorp
Classification: Uncertain significance for Pancreatic adenocarcinoma. Last evaluated: 2022-09-23. Review status: criteria provided, single submitter. Criteria: Invitae Variant Classification Sherloc (09022015). Collection method: clinical testing. Allele origin: germline.
Comment: This sequence change replaces phenylalanine, which is neutral and non-polar, with leucine, which is neutral and non-polar, at codon 234 of the PALLD protein (p.Phe234Leu). This variant is present in population databases (rs768485147, gnomAD 0.002%). This variant has not been reported in the literature in individuals affected with PALLD-related conditions. ClinVar contains an entry for this variant (Variation ID: 219960). Algorithms developed to predict the effect of missense changes on protein structure and function output the following: SIFT: "Deleterious"; PolyPhen-2: "Benign"; Align-GVGD: "Class C15". The leucine amino acid residue is found in multiple mammalian species, which suggests that this missense change does not adversely affect protein function. In summary, the available evidence is currently insufficient to determine the role of this variant in disease. Therefore, it has been classified as a Variant of Uncertain Significance.

NM_001166108.2(PALLD):c.2163T>G (p.Phe721Leu)

Genes: CBR4 (carbonyl reductase 4; minus strand), PALLD (palladin, cytoskeletal associated protein; plus strand). Cytogenetic location: 4q32.3.
Variant type: single nucleotide variant.
Coding change: c.2163T>G on transcript NM_001166108.2 (MANE Select); coding-DNA position 2163, T replaced by G.
Protein change: p.Phe721Leu; replaces phenylalanine 721 with leucine.
Molecular consequence: missense variant.
Genome position (GRCh38, 1-based): chr4:168,894,641, T>G. VCF-style: chr4-168894641-T-G. GRCh37 (hg19) VCF-style: chr4-169815792-T-G.
Other names: c.1017T>G, p.Phe339Leu (NM_001166109.2); c.702T>G, p.Phe234Leu (NM_001166110.2); c.42T>G, p.Phe14Leu (NM_001367567.1, NM_001367568.1, NM_001367569.1 and 1 more transcripts); c.2163T>G, p.Phe721Leu (NM_016081.4); short protein forms F721L, F234L, F339L, F14L.
Identifiers: ClinVar variation 219960 (VCV000219960.10), dbSNP rs768485147, ClinGen allele CA350186.